The following is an entry in ClinVar:

ClinVar aggregate classification (germline): Conflicting classifications of pathogenicity. Review status: criteria provided, conflicting classifications (1 of 4 stars). 3 submissions from 1 submitter: Uncertain significance (1); Likely benign (2). Last evaluated 2018-01-12.

Conditions:
Thrombophilia due to thrombin defect (THPH1). Also called: Thrombosis susceptibility; THROMBOPHILIA DUE TO FACTOR 2 DEFECT; Prothrombin-Related Thrombophilia (Factor II); Prothrombin Thrombophilia. Identifiers: MedGen C3160733, MONDO:0008559, OMIM 188050. Disease mechanism: gain of function, loss of function.
Factor V deficiency. Also called: Reduced coagulation factor V activity. Identifiers: Orphanet 326, MedGen C4317320, MONDO:0020586, HP:0003225.
Budd-Chiari syndrome (BDCHS). Also called: Hepatic vein obstruction. Identifiers: Orphanet 131, MedGen C0856761, MONDO:0010947, OMIM 600880, HP:0002639.

Allele frequency attached by ClinVar (database versions not stated): 1000 Genomes Project 30x 0.00250; 1000 Genomes Project 0.00319; TOPMed 0.00437; gnomAD 0.00467 and 0.00480.
gnomAD v4.1: 700 of 152,032 alleles (0.46%); highest among the groups gnomAD compares: Non-Finnish European, 0.76%; 3 homozygotes.

Submissions (3):

Illumina Laboratory Services, Illumina
Classification: Likely benign for Venous thrombosis. Last evaluated: 2018-01-12. Review status: criteria provided, single submitter. Criteria: ICSL Variant Classification Criteria 13 December 2019. Collection method: clinical testing. Allele origin: germline.
Comment: This variant was observed in the ICSL laboratory as part of a predisposition screen in an ostensibly healthy population. It had not been previously curated by ICSL or reported in the Human Gene Mutation Database (HGMD: prior to June 1st, 2018), and was therefore a candidate for classification through an automated scoring system. Utilizing variant allele frequency, disease prevalence and penetrance estimates, and inheritance mode, an automated score was calculated to assess if this variant is too frequent to cause the disease. Based on the score and internal cut-off values, a variant classified as likely benign is not then subjected to further curation. The score for this variant resulted in a classification of likely benign for this disease.

Illumina Laboratory Services, Illumina
Classification: Uncertain significance for Budd-Chiari syndrome. Last evaluated: 2018-01-12. Review status: criteria provided, single submitter. Criteria: ICSL Variant Classification Criteria 13 December 2019. Collection method: clinical testing. Allele origin: germline.

Illumina Laboratory Services, Illumina
Classification: Likely benign for Congenital factor V deficiency. Last evaluated: 2018-01-12. Review status: criteria provided, single submitter. Criteria: ICSL Variant Classification Criteria 13 December 2019. Collection method: clinical testing. Allele origin: germline.
Comment: the same text as in the submission from Illumina Laboratory Services, Illumina above.

NM_000130.5(F5):c.*1290G>A

Gene: F5 (coagulation factor V; minus strand). Cytogenetic location: 1q24.2.
Variant type: single nucleotide variant.
Coding change: c.*1290G>A on transcript NM_000130.5 (MANE Select); 1290 bases downstream of the stop codon, G replaced by A.
Molecular consequence: 3 prime UTR variant.
Genome position (GRCh38, 1-based): chr1:169,513,023, C>T on the plus strand (G>A on the coding strand, the complement: F5 is on the minus strand). VCF-style: chr1-169513023-C-T. GRCh37 (hg19) VCF-style: chr1-169482261-C-T.
Identifiers: ClinVar variation 293550 (VCV000293550.6), dbSNP rs9332677, ClinGen allele CA10608672.